The following is an entry in ClinVar:

ClinVar aggregate classification (germline): Benign (0 of 4 stars; one submission).

Conditions:
OTUD1-related disorder. Also called: OTUD1-related condition.

Allele frequency attached by ClinVar (database versions not stated): 1000 Genomes Project 30x 0.00734; 1000 Genomes Project 0.00739; ExAC 0.00933; gnomAD 0.01513; TOPMed 0.01585.

Submission:

PreventionGenetics, part of Exact Sciences
Classification: Benign for OTUD1-related condition. Last evaluated: 2024-01-05. Review status: no assertion criteria provided. Collection method: clinical testing. Allele origin: germline.
Comment: This variant is classified as benign based on ACMG/AMP sequence variant interpretation guidelines (Richards et al. 2015 PMID: 25741868, with internal and published modifications).

NM_001145373.3(OTUD1):c.976A>T (p.Ser326Cys)

Gene: OTUD1 (OTU deubiquitinase 1; plus strand). Cytogenetic location: 10p12.2.
Variant type: single nucleotide variant.
Coding change: c.976A>T on transcript NM_001145373.3 (MANE Select); coding-DNA position 976, A replaced by T.
Protein change: p.Ser326Cys; replaces serine 326 with cysteine.
Molecular consequence: missense variant.
Genome position (GRCh38, 1-based): chr10:23,440,433, A>T. VCF-style: chr10-23440433-A-T. GRCh37 (hg19) VCF-style: chr10-23729362-A-T.
Other names: short protein forms S326C.
Identifiers: ClinVar variation 3041990 (VCV003041990.2), dbSNP rs139969083, ClinGen allele CA5438992.